The following is an entry in ClinVar:

ClinVar aggregate classification (germline): Uncertain significance. Review status: criteria provided, multiple submitters, no conflicts (2 of 4 stars). 2 submissions from 2 submitters: Uncertain significance (2). Last evaluated 2025-04-30.

Conditions:
Autosomal dominant epilepsy with auditory features. Identifiers: Orphanet 101046, MedGen C1838062, MONDO:0010898.

Submissions (2):

GeneDx
Classification: Uncertain significance. Last evaluated: 2025-04-30. Review status: criteria provided, single submitter. Criteria: GeneDx Variant Classification Process June 2021. Collection method: clinical testing. Allele origin: germline. Affected: yes.
Comment: Not observed at significant frequency in large population cohorts (gnomAD); In silico analysis indicates that this missense variant does not alter protein structure/function; Has not been previously published as pathogenic or benign to our knowledge

Labcorp Genetics (formerly Invitae), Labcorp
Classification: Uncertain significance for Autosomal dominant epilepsy with auditory features. Last evaluated: 2024-11-18. Review status: criteria provided, single submitter. Criteria: Invitae Variant Classification Sherloc (09022015). Collection method: clinical testing. Allele origin: germline.
Comment: This sequence change replaces threonine, which is neutral and polar, with serine, which is neutral and polar, at codon 153 of the LGI1 protein (p.Thr153Ser). This variant is not present in population databases (gnomAD no frequency). This variant has not been reported in the literature in individuals affected with LGI1-related conditions. Invitae Evidence Modeling of protein sequence and biophysical properties (such as structural, functional, and spatial information, amino acid conservation, physicochemical variation, residue mobility, and thermodynamic stability) indicates that this missense variant is not expected to disrupt LGI1 protein function with a negative predictive value of 80%. In summary, the available evidence is currently insufficient to determine the role of this variant in disease. Therefore, it has been classified as a Variant of Uncertain Significance.

NM_005097.4(LGI1):c.457A>T (p.Thr153Ser)

Gene: LGI1 (leucine rich glioma inactivated 1; plus strand). Cytogenetic location: 10q23.33.
Variant type: single nucleotide variant.
Coding change: c.457A>T on transcript NM_005097.4 (MANE Select); coding-DNA position 457, A replaced by T.
Protein change: p.Thr153Ser; replaces threonine 153 with serine.
Molecular consequence: missense variant. On other transcripts: non-coding transcript variant (1).
Genome position (GRCh38, 1-based): chr10:93,790,124, A>T. VCF-style: chr10-93790124-A-T. GRCh37 (hg19) VCF-style: chr10-95549881-A-T.
Other names: c.457A>T, p.Thr153Ser (NM_001308275.2); c.313A>T, p.Thr105Ser (NM_001308276.2); c.457A>T (NM_005097.2); short protein forms T105S, T153S.
Identifiers: ClinVar variation 3667079 (VCV003667079.3).